The following is an entry in ClinVar:

ClinVar aggregate classification (germline): Pathogenic. Review status: criteria provided, multiple submitters, no conflicts (2 of 4 stars). 5 submissions from 5 submitters: Pathogenic (3). 2 of the submissions do not count toward it. Last evaluated 2025-09-24.

Conditions:
Cystine urolithiasis. Identifiers: MedGen C3671878.
Cystinuria (CSNU). Also called: CYSTINURIA, TYPE I; CYSTINURIA, TYPE II; CYSTINURIA, TYPE III; Cystinuria, non-type I. Identifiers: Orphanet 214, MedGen C0010691, MONDO:0009067, OMIM 220100, HP:0003131.

Allele frequency attached by ClinVar (database versions not stated): gnomAD 0.00001; ExAC 0.00002; TOPMed 0.00002.
gnomAD v4.1: 5 of 1,613,070 alleles (0.00031%); highest among the groups gnomAD compares: East Asian, 0.0089%; no homozygotes.

Submissions (5):

First Genomix Gene Laboratory, Genetic Diagnostics Department
Classification: Pathogenic for Cystinuria. Last evaluated: 2025-09-24. Review status: criteria provided, single submitter. Criteria: ACMG Guidelines, 2015. Collection method: clinical testing. Allele origin: germline. Inheritance: Autosomal recessive inheritance. Affected: no. Observed: 1 variant allele.

Obstetrics Unit, Tongji Hospital, Huazhong University of Science and Technology
Classification: Pathogenic for Cystinuria. Last evaluated: 2024-12-25. Review status: criteria provided, single submitter. Criteria: ACMG Guidelines, 2015. Collection method: clinical testing. Allele origin: paternal. Affected: yes.
Comment: NM_000341.4:exon6:c.1113C>A:p.Tyr371Ter variant: pathogenic(PVS1+PM2+PP5): PVS1:null variant(nonsense, frameshift, canonical +-2 splicesites, initiation codon, single or multiexon deletion) in a genewhere LOF is a known mechanism of disease. PM2: Absent from controls (or at extremely low frequency ifrecessive)in Exome Sequencing Project, 1000 GenomesProject, or Exome Aggregation Consortium PP5: Reputable source recently reports variant as pathogenicbut the evidence is not available to the laboratory to performan independent evaluation.

Juno Genomics, Hangzhou Juno Genomics, Inc
Classification: Pathogenic for Cystinuria. Review status: criteria provided, single submitter. Criteria: ACMG Guidelines, 2015. Collection method: clinical testing. Allele origin: germline.
Comment: Absent from controls (or at extremely low frequency if recessive) in Genome Aggregation Database.;Null variant in a gene where loss of function (LOF) is a known mechanism of disease.;For recessive disorders, detected in trans with a pathogenic variant.

Chinese Inherited Urolithiasis Consortium, The Affiliated Yantai Yuhuangding Hospital of Qingdao University
Classification: Pathogenic for Cystinuria. Last evaluated: 2024-08-26. Review status: no assertion criteria provided. Collection method: clinical testing. Allele origin: paternal, maternal. Affected: yes. Observed: 4 variant alleles. Not counted in ClinVar's aggregate classification.

The Laboratory of Genetics and Metabolism, Hunan Children’s Hospital
Classification: Pathogenic for Cystine Urolithiasis. Review status: no assertion criteria provided. Collection method: research. Allele origin: paternal. Affected: yes. Not counted in ClinVar's aggregate classification.

NM_000341.4(SLC3A1):c.1113C>A (p.Tyr371Ter)

Gene: SLC3A1 (solute carrier family 3 member 1; plus strand). Cytogenetic location: 2p21.
Variant type: single nucleotide variant.
Coding change: c.1113C>A on transcript NM_000341.4 (MANE Select); coding-DNA position 1113, C replaced by A.
Protein change: p.Tyr371Ter; replaces tyrosine 371 with a stop codon.
Molecular consequence: nonsense.
Genome position (GRCh38, 1-based): chr2:44,301,104, C>A. VCF-style: chr2-44301104-C-A. GRCh37 (hg19) VCF-style: chr2-44528243-C-A.
Other names: short protein forms Y371*.
Identifiers: ClinVar variation 804184 (VCV000804184.7), dbSNP rs768467260, ClinGen allele CA1640415.